The following is an entry in ClinVar:

NM_000891.3(KCNJ2):c.*3163T>A

Gene: KCNJ2 (potassium inwardly rectifying channel subfamily J member 2; plus strand). Cytogenetic location: 17q24.3.
Variant type: single nucleotide variant.
Coding change: c.*3163T>A on transcript NM_000891.3 (MANE Select); 3163 bases downstream of the stop codon, T replaced by A.
Molecular consequence: 3 prime UTR variant.
Genome position (GRCh38, 1-based): chr17:70,179,486, T>A. VCF-style: chr17-70179486-T-A. GRCh37 (hg19) VCF-style: chr17-68175627-T-A.
Identifiers: ClinVar variation 324890 (VCV000324890.32), dbSNP rs149224363, ClinGen allele CA10640415.

ClinVar aggregate classification (germline): Conflicting classifications of pathogenicity. Review status: criteria provided, conflicting classifications (1 of 4 stars). 4 submissions from 2 submitters: Uncertain significance (1); Benign (3). Last evaluated 2023-05-01.

Conditions:
Andersen Tawil syndrome (LQT7). Also called: PERIODIC PARALYSIS, POTASSIUM-SENSITIVE CARDIODYSRHYTHMIC TYPE; ANDERSEN CARDIODYSRHYTHMIC PERIODIC PARALYSIS; LONG QT SYNDROME 7; Potassium-sensitive periodic paralysis, ventricular ectopy, and dysmorphic features; Andersen Syndrome. Identifiers: Orphanet 37553, MedGen C1563715, MONDO:0008222, OMIM 170390.
Atrial fibrillation, familial, 9 (ATFB9). Identifiers: MedGen C3151431, MONDO:0013513, OMIM 613980.
Short QT syndrome type 3. Identifiers: Orphanet 51083, MedGen C1865018, MONDO:0012314, OMIM 609622.

Allele frequency attached by ClinVar (database versions not stated): gnomAD exomes 0.00014; 1000 Genomes Project 0.00140; 1000 Genomes Project 30x 0.00141; gnomAD 0.00248; TOPMed 0.00268.
gnomAD v4.1: 382 of 166,816 alleles (0.23%); highest among the groups gnomAD compares: Non-Finnish European, 0.34%; 2 homozygotes.

Submissions (4):

CeGaT Center for Human Genetics Tuebingen
Classification: Benign. Last evaluated: 2023-05-01. Review status: criteria provided, single submitter. Criteria: CeGaT Center For Human Genetics Tuebingen Variant Classification Criteria Version 2. Collection method: clinical testing. Allele origin: germline. Affected: yes. Observed: 2 variant alleles.
Comment: KCNJ2: BS1, BS2

Illumina Laboratory Services, Illumina
Classification: Benign for Short QT syndrome type 3. Last evaluated: 2018-01-13. Review status: criteria provided, single submitter. Criteria: ICSL Variant Classification Criteria 13 December 2019. Collection method: clinical testing. Allele origin: germline.
Comment: This variant was observed in the ICSL laboratory as part of a predisposition screen in an ostensibly healthy population. It had not been previously curated by ICSL or reported in the Human Gene Mutation Database (HGMD: prior to June 1st, 2018), and was therefore a candidate for classification through an automated scoring system. Utilizing variant allele frequency, disease prevalence and penetrance estimates, and inheritance mode, an automated score was calculated to assess if this variant is too frequent to cause the disease. Based on the score and internal cut-off values, a variant classified as benign is not then subjected to further curation. The score for this variant resulted in a classification of benign for this disease.

Illumina Laboratory Services, Illumina
Classification: Benign for Andersen Tawil syndrome. Last evaluated: 2018-01-13. Review status: criteria provided, single submitter. Criteria: ICSL Variant Classification Criteria 13 December 2019. Collection method: clinical testing. Allele origin: germline.
Comment: the same text as in the submission from Illumina Laboratory Services, Illumina above.

Illumina Laboratory Services, Illumina
Classification: Uncertain significance for Atrial fibrillation, familial, 9. Last evaluated: 2018-01-13. Review status: criteria provided, single submitter. Criteria: ICSL Variant Classification Criteria 13 December 2019. Collection method: clinical testing. Allele origin: germline.